The following is an entry in ClinVar:

NM_000051.4(ATM):c.7671G>T (p.Leu2557Phe)

Genes: ATM (ATM serine/threonine kinase; plus strand), C11orf65 (chromosome 11 open reading frame 65; minus strand). Cytogenetic location: 11q22.3.
Variant type: single nucleotide variant.
Coding change: c.7671G>T on transcript NM_000051.4 (MANE Select); coding-DNA position 7671, G replaced by T.
Protein change: p.Leu2557Phe; replaces leucine 2557 with phenylalanine.
Molecular consequence: missense variant. On other transcripts: intron variant (2).
Genome position (GRCh38, 1-based): chr11:108,331,920, G>T. VCF-style: chr11-108331920-G-T. GRCh37 (hg19) VCF-style: chr11-108202647-G-T.
Other names: c.7671G>T, p.Leu2557Phe (NM_001351834.2); c.641-22849C>A (NM_001330368.2); c.*38+3300C>A (NM_001351110.2); short protein forms L2557F.
Identifiers: ClinVar variation 3451058 (VCV003451058.1).

ClinVar aggregate classification (germline): Uncertain significance (1 of 4 stars; one submission).

Conditions:
Hereditary cancer-predisposing syndrome. Also called: Tumor predisposition; Hereditary Cancer Syndrome; Neoplastic Syndromes, Hereditary; Hereditary neoplastic syndrome. Identifiers: Orphanet 140162, MedGen C0027672, MeSH D009386, MONDO:0015356.

Submission:

Ambry Genetics
Classification: Uncertain significance for Hereditary cancer-predisposing syndrome. Last evaluated: 2024-09-01. Review status: criteria provided, single submitter. Criteria: Ambry Variant Classification Scheme 2023. Collection method: clinical testing. Allele origin: germline.
Comment: The p.L2557F variant (also known as c.7671G>T), located in coding exon 51 of the ATM gene, results from a G to T substitution at nucleotide position 7671. The leucine at codon 2557 is replaced by phenylalanine, an amino acid with highly similar properties. This amino acid position is conserved. In addition, the in silico prediction for this alteration is inconclusive. Based on the available evidence, the clinical significance of this variant remains unclear.